The following is an entry in ClinVar:

ClinVar aggregate classification (germline): Pathogenic/Likely pathogenic. Review status: criteria provided, multiple submitters, no conflicts (2 of 4 stars). 2 submissions from 2 submitters: Pathogenic (1); Likely pathogenic (1). Last evaluated 2024-11-26.

Conditions:
Arrhythmogenic right ventricular dysplasia 11. Also called: ARRHYTHMOGENIC RIGHT VENTRICULAR DYSPLASIA, FAMILIAL, 11; Arrhythmogenic Right Ventricular Dysplasia/Cardiomyopathy11; Arrhythmogenic right ventricular dysplasia 11 with mild palmoplantar keratoderma and woolly hair. Identifiers: MedGen C1864850, MONDO:0012506, OMIM 610476.

gnomAD v4.1: 2 of 1,613,926 alleles (0.00012%); highest among the groups gnomAD compares: Non-Finnish European, 0.00017%; no homozygotes.

Submissions (2):

GeneDx
Classification: Likely pathogenic. Last evaluated: 2024-11-26. Review status: criteria provided, single submitter. Criteria: GeneDx Variant Classification Process June 2021. Collection method: clinical testing. Allele origin: germline. Affected: yes.
Comment: Identified in a study of secondary findings genes in an individual without a reported history of cardiac disease; detailed clinical information not provided (PMID: 32686758); Nonsense variant predicted to result in protein truncation or nonsense mediated decay in a gene for which loss of function is a known mechanism of disease; Not observed at significant frequency in large population cohorts (gnomAD); This variant is associated with the following publications: (PMID: 31980526, 32686758)

Labcorp Genetics (formerly Invitae), Labcorp
Classification: Pathogenic for Arrhythmogenic right ventricular dysplasia 11. Last evaluated: 2024-02-29. Review status: criteria provided, single submitter. Criteria: Invitae Variant Classification Sherloc (09022015). Collection method: clinical testing. Allele origin: germline.
Comment: This sequence change creates a premature translational stop signal (p.Glu127*) in the DSC2 gene. It is expected to result in an absent or disrupted protein product. Loss-of-function variants in DSC2 are known to be pathogenic (PMID: 23911551). This variant is not present in population databases (gnomAD no frequency). This variant has not been reported in the literature in individuals affected with DSC2-related conditions. Algorithms developed to predict the effect of sequence changes on RNA splicing suggest that this variant may disrupt the consensus splice site. For these reasons, this variant has been classified as Pathogenic.

Literature cited by the submitters: PubMed 23911551 (cited by Labcorp Genetics (formerly Invitae), Labcorp).

NM_024422.6(DSC2):c.379G>T (p.Glu127Ter)

Gene: DSC2 (desmocollin 2; minus strand). Cytogenetic location: 18q12.1.
Variant type: single nucleotide variant.
Coding change: c.379G>T on transcript NM_024422.6 (MANE Select); coding-DNA position 379, G replaced by T.
Protein change: p.Glu127Ter; replaces glutamic acid 127 with a stop codon.
Molecular consequence: nonsense. On other transcripts: 5 prime UTR variant (2).
Genome position (GRCh38, 1-based): chr18:31,091,123, C>A on the plus strand (G>T on the coding strand, the complement: DSC2 is on the minus strand). VCF-style: chr18-31091123-C-A. GRCh37 (hg19) VCF-style: chr18-28671086-C-A.
Other names: c.-51G>T (NM_001406506.1, NM_001406507.1); c.379G>T, p.Glu127Ter (NM_004949.5); c.379G>T (NM_024422.3); short protein forms E127*.
Identifiers: ClinVar variation 3613712 (VCV003613712.3).